The following is an entry in ClinVar:

NM_017999.5(RNF31):c.1885C>T (p.Pro629Ser)

Gene: RNF31 (ring finger protein 31; plus strand). Cytogenetic location: 14q12.
Variant type: single nucleotide variant.
Coding change: c.1885C>T on transcript NM_017999.5 (MANE Select); coding-DNA position 1885, C replaced by T.
Protein change: p.Pro629Ser; replaces proline 629 with serine.
Molecular consequence: missense variant.
Genome position (GRCh38, 1-based): chr14:24,151,632, C>T. VCF-style: chr14-24151632-C-T. GRCh37 (hg19) VCF-style: chr14-24620841-C-T.
Other names: c.1432C>T, p.Pro478Ser (NM_001310332.2); short protein forms P478S, P629S.
Identifiers: ClinVar variation 3699643 (VCV003699643.2).

ClinVar aggregate classification (germline): Uncertain significance (1 of 4 stars; one submission).

Submission:

Labcorp Genetics (formerly Invitae), Labcorp
Classification: Uncertain significance. Last evaluated: 2024-06-24. Review status: criteria provided, single submitter. Criteria: Invitae Variant Classification Sherloc (09022015). Collection method: clinical testing. Allele origin: germline.
Comment: This sequence change replaces proline, which is neutral and non-polar, with serine, which is neutral and polar, at codon 629 of the RNF31 protein (p.Pro629Ser). This variant is not present in population databases (gnomAD no frequency). This variant has not been reported in the literature in individuals affected with RNF31-related conditions. An algorithm developed to predict the effect of missense changes on protein structure and function (PolyPhen-2) suggests that this variant is likely to be tolerated. In summary, the available evidence is currently insufficient to determine the role of this variant in disease. Therefore, it has been classified as a Variant of Uncertain Significance.